The following is an entry in ClinVar:

ClinVar aggregate classification (germline): Uncertain significance. Review status: criteria provided, multiple submitters, no conflicts (2 of 4 stars). 3 submissions from 3 submitters: Uncertain significance (3). Last evaluated 2024-02-26.

Conditions:
Hereditary cancer-predisposing syndrome. Also called: Hereditary Cancer Syndrome; Hereditary neoplastic syndrome; Neoplastic Syndromes, Hereditary; Tumor predisposition. Identifiers: Orphanet 140162, MedGen C0027672, MeSH D009386, MONDO:0015356.
Familial cancer of breast. Also called: BREAST CANCER, FAMILIAL; Hereditary breast cancer; hereditary breast carcinoma. Identifiers: Orphanet 227535, MedGen C0346153, MONDO:0016419, OMIM 114480. Disease mechanism: loss of function.

Submissions (3):

Labcorp Genetics (formerly Invitae), Labcorp
Classification: Uncertain significance for Familial cancer of breast. Last evaluated: 2024-02-26. Review status: criteria provided, single submitter. Criteria: Invitae Variant Classification Sherloc (09022015). Collection method: clinical testing. Allele origin: germline.
Comment: This sequence change replaces tyrosine, which is neutral and polar, with histidine, which is basic and polar, at codon 180 of the BARD1 protein (p.Tyr180His). This variant is not present in population databases (gnomAD no frequency). This variant has not been reported in the literature in individuals affected with BARD1-related conditions. ClinVar contains an entry for this variant (Variation ID: 406792). An algorithm developed to predict the effect of missense changes on protein structure and function (PolyPhen-2) suggests that this variant is likely to be disruptive. In summary, the available evidence is currently insufficient to determine the role of this variant in disease. Therefore, it has been classified as a Variant of Uncertain Significance.

Quest Diagnostics Nichols Institute San Juan Capistrano
Classification: Uncertain significance. Last evaluated: 2024-01-17. Review status: criteria provided, single submitter. Criteria: Quest Diagnostics criteria. Collection method: clinical testing. Allele origin: unknown.
Comment: The BARD1 c.538T>C (p.Tyr180His) variant has been reported in the published literature in an individual with breast cancer as well as a reportedly healthy individual (PMID: 33471991 (2021), see also LOVD). This variant has not been reported in large, multi-ethnic general populations (Genome Aggregation Database). Analysis of this variant using bioinformatics tools for the prediction of the effect of amino acid changes on protein structure and function yielded conflicting predictions that this variant is benign or damaging. Based on the available information, we are unable to determine the clinical significance of this variant.

Ambry Genetics
Classification: Uncertain significance for Hereditary cancer-predisposing syndrome. Last evaluated: 2019-07-09. Review status: criteria provided, single submitter. Criteria: Ambry Variant Classification Scheme 2023. Collection method: clinical testing. Allele origin: germline.
Comment: The p.Y180H variant (also known as c.538T>C), located in coding exon 4 of the BARD1 gene, results from a T to C substitution at nucleotide position 538. The tyrosine at codon 180 is replaced by histidine, an amino acid with similar properties. This amino acid position is highly conserved in available vertebrate species. In addition, the in silico prediction for this alteration is inconclusive. Since supporting evidence is limited at this time, the clinical significance of this alteration remains unclear.

Literature cited by the submitters: PubMed 33471991 (cited by Quest Diagnostics Nichols Institute San Juan Capistrano).

NM_000465.4(BARD1):c.538T>C (p.Tyr180His)

Gene: BARD1 (BRCA1 associated RING domain 1; minus strand). Cytogenetic location: 2q35.
Variant type: single nucleotide variant.
Coding change: c.538T>C on transcript NM_000465.4 (MANE Select); coding-DNA position 538, T replaced by C.
Protein change: p.Tyr180His; replaces tyrosine 180 with histidine.
Molecular consequence: missense variant. On other transcripts: non-coding transcript variant (2), intron variant (3).
Genome position (GRCh38, 1-based): chr2:214,781,336, A>G on the plus strand (T>C on the coding strand, the complement: BARD1 is on the minus strand). VCF-style: chr2-214781336-A-G. GRCh37 (hg19) VCF-style: chr2-215646060-A-G.
Other names: c.481T>C, p.Tyr161His (NM_001282543.2); c.158+28076T>C (NM_001282548.2); c.215+15725T>C (NM_001282545.2); c.364+10961T>C (NM_001282549.2); short protein forms Y180H, Y161H.
Identifiers: ClinVar variation 406792 (VCV000406792.17), dbSNP rs1060501311, ClinGen allele CA16610661.